The following is an entry in ClinVar:

ClinVar aggregate classification (germline): Uncertain significance (1 of 4 stars; one submission).

Submission:

Ambry Genetics
Classification: Uncertain significance. Last evaluated: 2024-06-08. Review status: criteria provided, single submitter. Criteria: Ambry Variant Classification Scheme 2023. Collection method: clinical testing. Allele origin: germline.
Comment: The p.P223L variant (also known as c.668C>T), located in coding exon 1 of the PALLD gene, results from a C to T substitution at nucleotide position 668. The proline at codon 223 is replaced by leucine, an amino acid with similar properties. This amino acid position is conserved. In addition, this alteration is predicted to be tolerated by in silico analysis. Based on the available evidence, the clinical significance of this variant remains unclear.

NM_001166108.2(PALLD):c.668C>T (p.Pro223Leu)

Gene: PALLD (palladin, cytoskeletal associated protein; plus strand). Cytogenetic location: 4q32.3.
Variant type: single nucleotide variant.
Coding change: c.668C>T on transcript NM_001166108.2 (MANE Select); coding-DNA position 668, C replaced by T.
Protein change: p.Pro223Leu; replaces proline 223 with leucine.
Molecular consequence: missense variant.
Genome position (GRCh38, 1-based): chr4:168,512,172, C>T. VCF-style: chr4-168512172-C-T. GRCh37 (hg19) VCF-style: chr4-169433323-C-T.
Other names: c.668C>T, p.Pro223Leu (NM_016081.4); short protein forms P223L.
Identifiers: ClinVar variation 3304035 (VCV003304035.1).